The following is an entry in ClinVar:

ClinVar aggregate classification (germline): Uncertain significance (1 of 4 stars; one submission).

Conditions:
Epilepsy, familial adult myoclonic, 5 (EPEO5). Also called: CORTICAL MYOCLONIC TREMOR WITH EPILEPSY, FAMILIAL, 5. Identifiers: Orphanet 86814, MedGen C3809374, MONDO:0014167, OMIM 615400.

Submission:

Labcorp Genetics (formerly Invitae), Labcorp
Classification: Uncertain significance for Epilepsy, familial adult myoclonic, 5. Last evaluated: 2021-09-29. Review status: criteria provided, single submitter. Criteria: Invitae Variant Classification Sherloc (09022015). Collection method: clinical testing. Allele origin: germline.
Comment: This sequence change falls in intron 22 of the CNTN2 gene. It does not directly change the encoded amino acid sequence of the CNTN2 protein. This variant is present in population databases (rs752153648, ExAC 0.005%). This variant has not been reported in the literature in individuals affected with CNTN2-related conditions. Algorithms developed to predict the effect of sequence changes on RNA splicing suggest that this variant may disrupt the consensus splice site. In summary, the available evidence is currently insufficient to determine the role of this variant in disease. Therefore, it has been classified as a Variant of Uncertain Significance.

NM_005076.5(CNTN2):c.3013+6_3013+8del

Genes: CNTN2 (contactin 2; plus strand), LOC126805985 (MED14-independent group 3 enhancer GRCh37_chr1:205041546-205042745; plus strand). Cytogenetic location: 1q32.1.
Variant type: Microsatellite.
Coding change: c.3013+6_3013+8del on transcript NM_005076.5 (MANE Select); bases 6 to 8 of the intron after coding-DNA position 3013, 3 bases deleted (GCT; older notation c.3013+6_3013+8delGCT).
Molecular consequence: splice donor variant.
Genome position (GRCh38, 1-based): chr1:205,073,242-205,073,244, GCT deleted; deleting any 3 consecutive bases within chr1:205,073,238-205,073,244 gives the same sequence; the c. name uses the placement nearest the transcript's 3' end. VCF-style (leftmost placement, unchanged base first): chr1-205073237-GTGC-G. GRCh37 (hg19) VCF-style: chr1-205042365-GTGC-G.
Other names: c.3013+6_3013+8del (NM_001346083.2).
Identifiers: ClinVar variation 1490939 (VCV001490939.3), dbSNP rs752153648, ClinGen allele CA1351850.
Genomic context (GRCh38, chr1:205,073,237, plus strand): 5'-GGACCACAGGGCCCGGAGGGGATGGGATCCCTGCAGAAGTCCACATCGTGAGGAATGGAG[GTGC>G]TGCTCCTCCCCTACCCTTATCCCCTCGAGAGATTCAGGATCCACCCAGATACCTGAGAGG-3'